The following is an entry in ClinVar:

NM_000381.4(MID1):c.1785T>G (p.Ile595Met)

Genes: MID1 (midline 1; minus strand), LOC126863207 (BRD4-independent group 4 enhancer GRCh37_chrX:10416979-10418178; plus strand). Cytogenetic location: Xp22.2.
Variant type: single nucleotide variant.
Coding change: c.1785T>G on transcript NM_000381.4 (MANE Select); coding-DNA position 1785, T replaced by G.
Protein change: p.Ile595Met; replaces isoleucine 595 with methionine.
Molecular consequence: missense variant.
Genome position (GRCh38, 1-based): chrX:10,449,587, A>C on the plus strand (T>G on the coding strand, the complement: MID1 is on the minus strand). VCF-style: chrX-10449587-A-C. GRCh37 (hg19) VCF-style: chrX-10417627-A-C.
Other names: c.1785T>G, p.Ile595Met (NM_001098624.2, NM_001193277.1, NM_001347733.2 and 1 more transcripts); c.1671T>G, p.Ile557Met (NM_033289.2); short protein forms I557M, I595M.
Identifiers: ClinVar variation 2659974 (VCV002659974.24), dbSNP rs1602233315, ClinGen allele CA412050148.

ClinVar aggregate classification (germline): Uncertain significance (1 of 4 stars; one submission).

Submission:

CeGaT Center for Human Genetics Tuebingen
Classification: Uncertain significance. Last evaluated: 2023-01-01. Review status: criteria provided, single submitter. Criteria: CeGaT Center For Human Genetics Tuebingen Variant Classification Criteria Version 2. Collection method: clinical testing. Allele origin: germline. Affected: yes. Observed: 1 variant allele.
Comment: MID1: PM2, BP4